The following is an entry in ClinVar:

NM_182746.3(MCM4):c.1801-12_1801-11del

Gene: MCM4 (minichromosome maintenance complex component 4; plus strand). Cytogenetic location: 8q11.21.
Variant type: Deletion.
Coding change: c.1801-12_1801-11del on transcript NM_182746.3 (MANE Select); 12 bases into the intron before coding-DNA position 1801 through 11 bases into the intron before coding-DNA position 1801, 2 bases deleted (TT; older notation c.1801-12_1801-11delTT).
Molecular consequence: intron variant.
Genome position (GRCh38, 1-based): chr8:47,971,329-47,971,330, TT deleted; deleting any 2 consecutive bases within chr8:47,971,328-47,971,330 gives the same sequence; the c. name uses the placement nearest the transcript's 3' end. VCF-style (leftmost placement, unchanged base first): chr8-47971327-CTT-C. GRCh37 (hg19) VCF-style: chr8-48883887-CTT-C.
Other names: c.1801-12_1801-11del (NM_005914.4).
Identifiers: ClinVar variation 4699021 (VCV004699021.1).

ClinVar aggregate classification (germline): Uncertain significance (1 of 4 stars; one submission).

Submission:

Labcorp Genetics (formerly Invitae), Labcorp
Classification: Uncertain significance. Last evaluated: 2025-07-10. Review status: criteria provided, single submitter. Criteria: Invitae Variant Classification Sherloc (09022015). Collection method: clinical testing. Allele origin: germline.
Comment: This sequence change falls in intron 11 of the MCM4 gene. It does not directly change the encoded amino acid sequence of the MCM4 protein. This variant is present in population databases (rs766528577, gnomAD 0.002%). This variant has not been reported in the literature in individuals affected with MCM4-related conditions. Algorithms developed to predict the effect of sequence changes on RNA splicing suggest that this variant may disrupt the consensus splice site. In summary, the available evidence is currently insufficient to determine the role of this variant in disease. Therefore, it has been classified as a Variant of Uncertain Significance.